The following is an entry in ClinVar:

ClinVar aggregate classification (germline): Uncertain significance (1 of 4 stars; one submission).

Submission:

Labcorp Genetics (formerly Invitae), Labcorp
Classification: Uncertain significance. Last evaluated: 2025-09-02. Review status: criteria provided, single submitter. Criteria: Invitae Variant Classification Sherloc (09022015). Collection method: clinical testing. Allele origin: germline.
Comment: This variant, c.424_426del, results in the deletion of 1 amino acid(s) of the GJB2 protein (p.Phe142del), but otherwise preserves the integrity of the reading frame. This variant is not present in population databases (gnomAD no frequency). This variant has been observed in individual(s) with deafness (PMID: 15954104, 18167282, 24256046, 25162826). Experimental studies and prediction algorithms are not available or were not evaluated, and the functional significance of this variant is currently unknown. In summary, the available evidence is currently insufficient to determine the role of this variant in disease. Therefore, it has been classified as a Variant of Uncertain Significance.

Literature cited by the submitters: PubMed 15954104; PubMed 18167282; PubMed 24256046; PubMed 25162826.

NM_004004.6(GJB2):c.421TTC[1] (p.Phe142del)

Gene: GJB2 (gap junction protein beta 2; minus strand). Cytogenetic location: 13q12.11.
Variant type: Microsatellite.
Coding change: c.421TTC[1] on transcript NM_004004.6 (MANE Select); one copy of the 3-base unit TTC starting at c.421; the reference has two copies in a row; one copy, 3 bases deleted.
Protein change: p.Phe142del; deletes phenylalanine 142.
Molecular consequence: inframe deletion.
Genome position (GRCh38, 1-based): chr13:20,189,156-20,189,158, GAA deleted on the plus strand (TTC on the coding strand, the reverse complement: GJB2 is on the minus strand); deleting any 3 consecutive bases within chr13:20,189,156-20,189,163 gives the same sequence; the position shown is the placement nearest the transcript's 3' end. VCF-style (leftmost placement, unchanged base first): chr13-20189155-GGAA-G. GRCh37 (hg19) VCF-style: chr13-20763294-GGAA-G.
Other names: short protein forms F142del.
Identifiers: ClinVar variation 2137456 (VCV002137456.4), dbSNP rs2500250385, ClinGen allele CA2580614612.